The following is an entry in ClinVar:

NM_000439.5(PCSK1):c.1951G>A (p.Val651Ile)

Genes: PCSK1 (proprotein convertase subtilisin/kexin type 1; minus strand), CAST (calpastatin; plus strand), LOC101929710 (uncharacterized LOC101929710; plus strand). Cytogenetic location: 5q15.
Variant type: single nucleotide variant.
Coding change: c.1951G>A on transcript NM_000439.5 (MANE Select); coding-DNA position 1951, G replaced by A.
Protein change: p.Val651Ile; replaces valine 651 with isoleucine.
Molecular consequence: missense variant.
Genome position (GRCh38, 1-based): chr5:96,393,312, C>T on the plus strand (G>A on the coding strand, the complement: PCSK1 is on the minus strand). VCF-style: chr5-96393312-C-T. GRCh37 (hg19) VCF-style: chr5-95729016-C-T.
Other names: c.1810G>A, p.Val604Ile (NM_001177875.2); short protein forms V651I, V604I.
Identifiers: ClinVar variation 2302633 (VCV002302633.4), dbSNP rs772483031, ClinGen allele CA3350080.

ClinVar aggregate classification (germline): Conflicting classifications of pathogenicity. Review status: criteria provided, conflicting classifications (1 of 4 stars). 3 submissions from 3 submitters: Uncertain significance (1); Likely benign (2). Last evaluated 2026-08-17.

Conditions:
Inborn genetic diseases. Identifiers: MedGen C0950123, MeSH D030342.
PCSK1-related disorder. Also called: PCSK1-related condition.

Allele frequency attached by ClinVar (database versions not stated): ExAC 0.00001; gnomAD 0.00001; TOPMed 0.00003; gnomAD exomes 0.00004.
gnomAD v4.1: 57 of 1,613,946 alleles (0.0035%); highest among the groups gnomAD compares: Non-Finnish European, 0.0042%; no homozygotes.

Submissions (3):

PreventionGenetics, part of Exact Sciences
Classification: Uncertain significance for PCSK1-related condition. Last evaluated: 2026-08-17. Review status: criteria provided, single submitter. Criteria: ACMG Guidelines, 2015. Collection method: clinical testing. Allele origin: germline.
Comment: The PCSK1 c.1951G>A variant is predicted to result in the amino acid substitution p.Val651Ile. This variant was observed in a cohort of individuals with obesity, and in vitro functional studies showed function similar to that of wild-type levels (Supplemental Data Set, Shah et al. 2023. PubMed ID: 36864747). This variant is reported in 0.0097% of alleles in individuals of Ashkenazi Jewish descent in gnomAD. At this time, the clinical significance of this variant is uncertain due to the absence of conclusive functional and genetic evidence.

Blueprint Genetics
Classification: Likely benign. Last evaluated: 2024-04-22. Review status: criteria provided, single submitter. Criteria: ACMG Guidelines, 2015. Collection method: clinical testing. Allele origin: germline.

Ambry Genetics
Classification: Likely benign for Inborn genetic diseases. Last evaluated: 2022-07-20. Review status: criteria provided, single submitter. Criteria: Ambry Variant Classification Scheme 2023. Collection method: clinical testing. Allele origin: germline.